The following is an entry in ClinVar:

NM_018706.7(DHTKD1):c.1967del (p.Lys656fs)

Gene: DHTKD1 (dehydrogenase E1 and transketolase domain containing 1; plus strand). Cytogenetic location: 10p14.
Variant type: Deletion.
Coding change: c.1967del on transcript NM_018706.7 (MANE Select); coding-DNA position 1967, one base deleted (A; older notation c.1967delA).
Protein change: p.Lys656fs; shifts the reading frame from lysine 656.
Molecular consequence: frameshift variant.
Genome position (GRCh38, 1-based): chr10:12,106,316, A deleted; the last of 3 consecutive A bases (chr10:12,106,314-12,106,316); deleting any one gives the same sequence. VCF-style (leftmost placement, unchanged base first): chr10-12106313-CA-C. GRCh37 (hg19) VCF-style: chr10-12148312-CA-C.
Other names: short protein forms K656fs.
Identifiers: ClinVar variation 2707238 (VCV002707238.3), dbSNP rs2491503781, ClinGen allele CA2697558255.

ClinVar aggregate classification (germline): Pathogenic (1 of 4 stars; one submission).

Conditions:
2-aminoadipic 2-oxoadipic aciduria (AAKAD). Also called: ALPHA-AMINOADIPIC AND ALPHA-KETOADIPIC ACIDURIA; Aminoadipic aciduria. Identifiers: Orphanet 79154, MedGen C1859817, MONDO:0008774, OMIM 204750.

Submission:

Labcorp Genetics (formerly Invitae), Labcorp
Classification: Pathogenic for 2-aminoadipic 2-oxoadipic aciduria. Last evaluated: 2024-01-03. Review status: criteria provided, single submitter. Criteria: Invitae Variant Classification Sherloc (09022015). Collection method: clinical testing. Allele origin: germline.
Comment: This sequence change creates a premature translational stop signal (p.Lys656Serfs*58) in the DHTKD1 gene. It is expected to result in an absent or disrupted protein product. Loss-of-function variants in DHTKD1 are known to be pathogenic (PMID: 23141293, 25860818). This variant is not present in population databases (gnomAD no frequency). This variant has not been reported in the literature in individuals affected with DHTKD1-related conditions. For these reasons, this variant has been classified as Pathogenic.

Literature cited by the submitters: PubMed 23141293; PubMed 25860818.